The following is an entry in ClinVar:

ClinVar aggregate classification (germline): Uncertain significance. Review status: criteria provided, multiple submitters, no conflicts (2 of 4 stars). 3 submissions from 3 submitters: Uncertain significance (3). Last evaluated 2025-05-23.

Conditions:
Colorectal cancer, susceptibility to, 1. Also called: COLORECTAL ADENOMA AND CANCER, SUSCEPTIBILITY TO; COLORECTAL CANCER, SUSCEPTIBILITY TO, ON CHROMOSOME 9. Identifiers: MedGen C1837315, MONDO:0012132, OMIM 608812.

gnomAD v4.1: 2 of 1,614,228 alleles (0.00012%); no homozygotes.

Submissions (3):

Ambry Genetics
Classification: Uncertain significance. Last evaluated: 2025-05-23. Review status: criteria provided, single submitter. Criteria: Ambry Variant Classification Scheme 2023. Collection method: clinical testing. Allele origin: germline.
Comment: The p.E170D variant (also known as c.510A>T), located in coding exon 2 of the GALNT12 gene, results from an A to T substitution at nucleotide position 510. The glutamic acid at codon 170 is replaced by aspartic acid, an amino acid with highly similar properties. This amino acid position is conserved. In addition, this alteration is predicted to be deleterious by in silico analysis. Since supporting evidence is limited at this time, the clinical significance of this alteration remains unclear.

Baylor Genetics
Classification: Uncertain significance for Colorectal cancer, susceptibility to, 1. Last evaluated: 2024-01-18. Review status: criteria provided, single submitter. Criteria: ACMG Guidelines, 2015. Collection method: clinical testing. Allele origin: unknown.

Labcorp Genetics (formerly Invitae), Labcorp
Classification: Uncertain significance. Last evaluated: 2022-04-30. Review status: criteria provided, single submitter. Criteria: Invitae Variant Classification Sherloc (09022015). Collection method: clinical testing. Allele origin: germline.
Comment: This sequence change replaces glutamic acid, which is acidic and polar, with aspartic acid, which is acidic and polar, at codon 170 of the GALNT12 protein (p.Glu170Asp). In summary, the available evidence is currently insufficient to determine the role of this variant in disease. Therefore, it has been classified as a Variant of Uncertain Significance. Algorithms developed to predict the effect of missense changes on protein structure and function are either unavailable or do not agree on the potential impact of this missense change (SIFT: "Deleterious"; PolyPhen-2: "Probably Damaging"; Align-GVGD: "Class C0"). This variant has not been reported in the literature in individuals affected with GALNT12-related conditions. This variant is not present in population databases (gnomAD no frequency).

NM_024642.5(GALNT12):c.510A>T (p.Glu170Asp)

Gene: GALNT12 (polypeptide N-acetylgalactosaminyltransferase 12; plus strand). Cytogenetic location: 9q22.33.
Variant type: single nucleotide variant.
Coding change: c.510A>T on transcript NM_024642.5 (MANE Select); coding-DNA position 510, A replaced by T.
Protein change: p.Glu170Asp; replaces glutamic acid 170 with aspartic acid.
Molecular consequence: missense variant.
Genome position (GRCh38, 1-based): chr9:98,823,394, A>T. VCF-style: chr9-98823394-A-T. GRCh37 (hg19) VCF-style: chr9-101585676-A-T.
Other names: short protein forms E170D.
Identifiers: ClinVar variation 1745386 (VCV001745386.9), dbSNP rs2490492765, ClinGen allele CA374216850.
Genomic context (GRCh38, chr9:98,823,394, plus strand): 5'-AACTCTCCTTCGGACAGTTTACAGTGTCCTTGAGACATCCCCGGATATCCTGCTAGAAGA[A>T]GTGATCCTTGTAGATGACTACAGTGATAGAGGTGAGTCCCGGCCAGGGCTCTGGGAAGAG-3'
Protein context (NP_078918.3, residues 160-180): LETSPDILLE[Glu170Asp]VILVDDYSDR